The following is an entry in ClinVar:

ClinVar aggregate classification (germline): Uncertain significance (1 of 4 stars; one submission).

Conditions:
Inborn genetic diseases. Identifiers: MedGen C0950123, MeSH D030342.

Allele frequency attached by ClinVar (database versions not stated): gnomAD exomes below 0.00001.
gnomAD v4.1: 1 of 1,613,170 alleles (0.000062%); highest among the groups gnomAD compares: Non-Finnish European, 0.000085%; no homozygotes.

Submission:

Ambry Genetics
Classification: Uncertain significance for Inborn genetic diseases. Last evaluated: 2023-01-19. Review status: criteria provided, single submitter. Criteria: Ambry Variant Classification Scheme 2023. Collection method: clinical testing. Allele origin: germline.
Comment: The p.K89E variant (also known as c.265A>G), located in coding exon 5 of the ERCC2 gene, results from an A to G substitution at nucleotide position 265. The lysine at codon 89 is replaced by glutamic acid, an amino acid with similar properties. This amino acid position is conserved. In addition, this alteration is predicted to be deleterious by in silico analysis. Since supporting evidence is limited at this time, the clinical significance of this alteration remains unclear.

NM_000400.4(ERCC2):c.265A>G (p.Lys89Glu)

Gene: ERCC2 (ERCC excision repair 2, TFIIH core complex helicase subunit; minus strand). Cytogenetic location: 19q13.32.
Variant type: single nucleotide variant.
Coding change: c.265A>G on transcript NM_000400.4 (MANE Select); coding-DNA position 265, A replaced by G.
Protein change: p.Lys89Glu; replaces lysine 89 with glutamic acid.
Molecular consequence: missense variant.
Genome position (GRCh38, 1-based): chr19:45,368,725, T>C on the plus strand (A>G on the coding strand, the complement: ERCC2 is on the minus strand). VCF-style: chr19-45368725-T-C. GRCh37 (hg19) VCF-style: chr19-45871983-T-C.
Other names: c.193A>G, p.Lys65Glu (NM_001130867.2); short protein forms K65E, K89E.
Identifiers: ClinVar variation 2452360 (VCV002452360.2), dbSNP rs2514044039, ClinGen allele CA406378754.